The following is an entry in ClinVar:

NM_001267550.2(TTN):c.95146A>G (p.Thr31716Ala)

Genes: TTN (titin; minus strand), TTN-AS1 (TTN antisense RNA 1; plus strand). Cytogenetic location: 2q31.2.
Variant type: single nucleotide variant.
Coding change: c.95146A>G on transcript NM_001267550.2 (MANE Select); coding-DNA position 95146, A replaced by G.
Protein change: p.Thr31716Ala; replaces threonine 31716 with alanine.
Molecular consequence: missense variant.
Genome position (GRCh38, 1-based): chr2:178,546,090, T>C on the plus strand (A>G on the coding strand, the complement: TTN is on the minus strand). VCF-style: chr2-178546090-T-C. GRCh37 (hg19) VCF-style: chr2-179410817-T-C.
Other names: c.90223A>G, p.Thr30075Ala (NM_001256850.1); c.67951A>G, p.Thr22651Ala (NM_003319.4); c.87442A>G, p.Thr29148Ala (NM_133378.4); c.68326A>G, p.Thr22776Ala (NM_133432.3); c.68527A>G, p.Thr22843Ala (NM_133437.4); short protein forms T22843A, T29148A, T22651A, T30075A, T31716A, T22776A.
Identifiers: ClinVar variation 1413457 (VCV001413457.6), dbSNP rs1575444115, ClinGen allele CA349466063.

ClinVar aggregate classification (germline): Uncertain significance (1 of 4 stars; one submission).

Conditions:
Dilated cardiomyopathy 1G (CMD1G). Identifiers: Orphanet 154, MedGen C1858763, MONDO:0011400, OMIM 604145.
Autosomal recessive limb-girdle muscular dystrophy type 2J (LGMDR10). Also called: MUSCULAR DYSTROPHY, LIMB-GIRDLE, AUTOSOMAL RECESSIVE 10; Limb-girdle muscular dystrophy, type 2J. Identifiers: Orphanet 140922, MedGen C1837342, MONDO:0012127, OMIM 608807.

Submission:

Labcorp Genetics (formerly Invitae), Labcorp
Classification: Uncertain significance for Dilated cardiomyopathy 1G; Autosomal recessive limb-girdle muscular dystrophy type 2J. Last evaluated: 2021-11-12. Review status: criteria provided, single submitter. Criteria: Invitae Variant Classification Sherloc (09022015). Collection method: clinical testing. Allele origin: germline.
Comment: This variant is located in the A band of TTN (PMID: 25589632). Variants in this region may be relevant for cardiac or neuromuscular disorders (PMID: 25589632, 23975875). In summary, the available evidence is currently insufficient to determine the role of this variant in disease. Therefore, it has been classified as a Variant of Uncertain Significance. Experimental studies and prediction algorithms are not available or were not evaluated, and the functional significance of this variant is currently unknown. This variant has not been reported in the literature in individuals affected with TTN-related conditions. This variant is not present in population databases (gnomAD no frequency). This sequence change replaces threonine, which is neutral and polar, with alanine, which is neutral and non-polar, at codon 31716 of the TTN protein (p.Thr31716Ala).

Literature cited by the submitters: PubMed 25589632; PubMed 23975875.